The following is an entry in ClinVar:

NM_032119.4(ADGRV1):c.2035C>T (p.Arg679Trp)

Gene: ADGRV1 (adhesion G protein-coupled receptor V1; plus strand). Cytogenetic location: 5q14.3.
Variant type: single nucleotide variant.
Coding change: c.2035C>T on transcript NM_032119.4 (MANE Select); coding-DNA position 2035, C replaced by T.
Protein change: p.Arg679Trp; replaces arginine 679 with tryptophan.
Molecular consequence: missense variant. On other transcripts: non-coding transcript variant (1).
Genome position (GRCh38, 1-based): chr5:90,637,743, C>T. VCF-style: chr5-90637743-C-T. GRCh37 (hg19) VCF-style: chr5-89933560-C-T.
Other names: short protein forms R679W.
Identifiers: ClinVar variation 1350056 (VCV001350056.8), dbSNP rs755802203, ClinGen allele CA3338818.
Genomic context (GRCh38, chr5:90,637,743, plus strand): 5'-TATATTTTAGAAGAAATTGTTCTGTTCTTTTCTTTTTATAAGGTATACATTCCCTTACAT[C>T]GGGATGGAACTGATGGCCAGGCTACTGTCTACTGGAGTTTGAAGCCCTCTGGCTTTAATT-3'
Protein context (NP_115495.3, residues 669-689): AAEVVYIPLH[Arg679Trp]DGTDGQATVY

ClinVar aggregate classification (germline): Uncertain significance (1 of 4 stars; one submission).

Allele frequency attached by ClinVar (database versions not stated): ExAC 0.00002; gnomAD 0.00003.
gnomAD v4.1: 30 of 1,609,802 alleles (0.0019%); highest among the groups gnomAD compares: African/African-American, 0.004%; no homozygotes.

Submission:

Labcorp Genetics (formerly Invitae), Labcorp
Classification: Uncertain significance. Last evaluated: 2022-12-26. Review status: criteria provided, single submitter. Criteria: Invitae Variant Classification Sherloc (09022015). Collection method: clinical testing. Allele origin: germline.
Comment: Advanced modeling of protein sequence and biophysical properties (such as structural, functional, and spatial information, amino acid conservation, physicochemical variation, residue mobility, and thermodynamic stability) has been performed at Invitae for this missense variant, however the output from this modeling did not meet the statistical confidence thresholds required to predict the impact of this variant on ADGRV1 protein function. In summary, the available evidence is currently insufficient to determine the role of this variant in disease. Therefore, it has been classified as a Variant of Uncertain Significance. This sequence change replaces arginine, which is basic and polar, with tryptophan, which is neutral and slightly polar, at codon 679 of the ADGRV1 protein (p.Arg679Trp). ClinVar contains an entry for this variant (Variation ID: 1350056). This missense change has been observed in individual(s) with deafness (Invitae). This variant is present in population databases (rs755802203, gnomAD 0.007%).